The following is an entry in ClinVar:

ClinVar aggregate classification (germline): Likely benign. Review status: criteria provided, multiple submitters, no conflicts (2 of 4 stars). 2 submissions from 2 submitters: Likely benign (2). Last evaluated 2024-03-26.

Conditions:
Isolated microphthalmia 3 (MCOPS16). Also called: MICROPHTHALMIA, SYNDROMIC 16. Identifiers: Orphanet 2542, MedGen C5774181, MONDO:0012604, OMIM 611038.

Allele frequency attached by ClinVar (database versions not stated): gnomAD 0.00007; TOPMed 0.00014.
gnomAD v4.1: 316 of 1,527,908 alleles (0.021%); highest among the groups gnomAD compares: Non-Finnish European, 0.026%; no homozygotes.

Submissions (2):

Labcorp Genetics (formerly Invitae), Labcorp
Classification: Likely benign for Isolated microphthalmia 3. Last evaluated: 2024-03-26. Review status: criteria provided, single submitter. Criteria: Invitae Variant Classification Sherloc (09022015). Collection method: clinical testing. Allele origin: germline.

CeGaT Center for Human Genetics Tuebingen
Classification: Likely benign. Last evaluated: 2022-10-01. Review status: criteria provided, single submitter. Criteria: CeGaT Center For Human Genetics Tuebingen Variant Classification Criteria Version 2. Collection method: clinical testing. Allele origin: germline. Affected: yes. Observed: 1 variant allele.
Comment: RAX: BP4, BP7

NM_013435.3(RAX):c.198G>A (p.Arg66=)

Gene: RAX (retina and anterior neural fold homeobox; minus strand). Cytogenetic location: 18q21.32.
Variant type: single nucleotide variant.
Coding change: c.198G>A on transcript NM_013435.3 (MANE Select); coding-DNA position 198, G replaced by A.
Protein change: p.Arg66=; no amino-acid change (arginine 66 retained).
Molecular consequence: synonymous variant.
Genome position (GRCh38, 1-based): chr18:59,273,009, C>T on the plus strand (G>A on the coding strand, the complement: RAX is on the minus strand). VCF-style: chr18-59273009-C-T. GRCh37 (hg19) VCF-style: chr18-56940241-C-T.
Identifiers: ClinVar variation 1879403 (VCV001879403.31), dbSNP rs892784454, ClinGen allele CA300985488.
Genomic context (GRCh38, chr18:59,273,009, plus strand): 5'-CGGCGGGGAGGGCTCGGAGCCTTCCTCGGGCGCCTTGGGGCAGGCGGGCCGCGCGCCCAG[C>T]CTCCTATCCCGCTCCTTCGCGCCCCGGGCGCCCCGCTCCGCCGGGAAGGTGCCGAGGATC-3'
Protein context (NP_038463.2, residues 56-76): GARGAKERDR[Arg66=]LGARPACPKA